The following is an entry in ClinVar:

NM_031942.5(CDCA7):c.517C>T (p.Pro173Ser)

Gene: CDCA7 (cell division cycle associated 7; plus strand). Cytogenetic location: 2q31.1.
Variant type: single nucleotide variant.
Coding change: c.517C>T on transcript NM_031942.5 (MANE Select); coding-DNA position 517, C replaced by T.
Protein change: p.Pro173Ser; replaces proline 173 with serine.
Molecular consequence: missense variant.
Genome position (GRCh38, 1-based): chr2:173,363,358, C>T. VCF-style: chr2-173363358-C-T. GRCh37 (hg19) VCF-style: chr2-174228086-C-T.
Other names: c.280C>T, p.Pro94Ser (NM_145810.3); short protein forms P173S, P94S.
Identifiers: ClinVar variation 2427813 (VCV002427813.3), dbSNP rs769226942, ClinGen allele CA1971257.

ClinVar aggregate classification (germline): Uncertain significance (1 of 4 stars; one submission).

Allele frequency attached by ClinVar (database versions not stated): gnomAD 0.00002; TOPMed 0.00003; ExAC 0.00004; gnomAD exomes 0.00004.
gnomAD v4.1: 27 of 1,614,018 alleles (0.0017%); highest among the groups gnomAD compares: Admixed American, 0.043%; no homozygotes.

Submission:

Labcorp Genetics (formerly Invitae), Labcorp
Classification: Uncertain significance. Last evaluated: 2022-10-24. Review status: criteria provided, single submitter. Criteria: Invitae Variant Classification Sherloc (09022015). Collection method: clinical testing. Allele origin: germline.
Comment: This sequence change replaces proline, which is neutral and non-polar, with serine, which is neutral and polar, at codon 173 of the CDCA7 protein (p.Pro173Ser). This variant is present in population databases (rs769226942, gnomAD 0.06%). This variant has not been reported in the literature in individuals affected with CDCA7-related conditions. Advanced modeling of protein sequence and biophysical properties (such as structural, functional, and spatial information, amino acid conservation, physicochemical variation, residue mobility, and thermodynamic stability) performed at Invitae indicates that this missense variant is not expected to disrupt CDCA7 protein function. In summary, the available evidence is currently insufficient to determine the role of this variant in disease. Therefore, it has been classified as a Variant of Uncertain Significance.